The following is an entry in ClinVar:

NM_018834.6(MATR3):c.1602+9C>G

Gene: MATR3 (matrin 3; plus strand). Cytogenetic location: 5q31.2.
Variant type: single nucleotide variant.
Coding change: c.1602+9C>G on transcript NM_018834.6 (MANE Select); 9 bases into the intron after coding-DNA position 1602, C replaced by G.
Molecular consequence: intron variant.
Genome position (GRCh38, 1-based): chr5:139,319,510, C>G. VCF-style: chr5-139319510-C-G. GRCh37 (hg19) VCF-style: chr5-138655199-C-G.
Other names: c.1602+9C>G (NM_001400451.1, NM_001400450.1, NM_001400441.1 and 16 more transcripts); c.741+9C>G (NM_001400459.1); c.588+9C>G (NM_001400463.1, NM_001400460.1, NM_001282278.2 and 5 more transcripts); c.702+9C>G (NM_001400461.1); c.738+9C>G (NM_001194956.2).
Identifiers: ClinVar variation 3048418 (VCV003048418.2), dbSNP rs780284796, ClinGen allele CA2542791784.
Genomic context (GRCh38, chr5:139,319,510, plus strand): 5'-TGAGCCTTATGGGAAAATAAAGAATTACATATTGATGAGGATGAAAAGTCAGGTAATATA[C>G]ATAAGGAAGTTTTAGAGAAGATAATTTATTAAAATCCTTAAGATTTTTCAATATGGAGCT-3'

ClinVar aggregate classification (germline): Likely benign (0 of 4 stars; one submission).

Conditions:
MATR3-related disorder. Also called: MATR3-related condition.

Submission:

PreventionGenetics, part of Exact Sciences
Classification: Likely benign for MATR3-related condition. Last evaluated: 2023-06-05. Review status: no assertion criteria provided. Collection method: clinical testing. Allele origin: germline.
Comment: This variant is classified as likely benign based on ACMG/AMP sequence variant interpretation guidelines (Richards et al. 2015 PMID: 25741868, with internal and published modifications).